The following is an entry in ClinVar:

NM_001267550.2(TTN):c.18550G>A (p.Ala6184Thr)

Genes: TTN (titin; minus strand), LOC126806430 (BRD4-independent group 4 enhancer GRCh37_chr2:179593794-179594993; plus strand). Cytogenetic location: 2q31.2.
Variant type: single nucleotide variant.
Coding change: c.18550G>A on transcript NM_001267550.2 (MANE Select); coding-DNA position 18550, G replaced by A.
Protein change: p.Ala6184Thr; replaces alanine 6184 with threonine.
Molecular consequence: missense variant. On other transcripts: intron variant (3).
Genome position (GRCh38, 1-based): chr2:178,729,703, C>T on the plus strand (G>A on the coding strand, the complement: TTN is on the minus strand). VCF-style: chr2-178729703-C-T. GRCh37 (hg19) VCF-style: chr2-179594430-C-T.
Other names: p.A5867T:GCA>ACA; p.Ala4940Thr; c.17599G>A, p.Ala5867Thr (NM_001256850.1); c.14818G>A, p.Ala4940Thr (NM_133378.4); c.13282+8379G>A (NM_003319.4); c.13858+8379G>A (NM_133437.4); c.13657+8379G>A (NM_133432.3); short protein forms A5867T, A6184T, A4940T.
Identifiers: ClinVar variation 203272 (VCV000203272.58), dbSNP rs72648947, ClinGen allele CA311880.

ClinVar aggregate classification (germline): Conflicting classifications of pathogenicity. Review status: criteria provided, conflicting classifications (1 of 4 stars). 10 submissions from 10 submitters: Uncertain significance (5); Likely benign (5). Last evaluated 2026-05-01.

Conditions:
TTN-related disorder. Also called: TTN-related condition; TTN-related disease; TTN-related disorders.
Cardiovascular phenotype. Identifiers: MedGen CN230736.
Autosomal recessive limb-girdle muscular dystrophy type 2J (LGMDR10). Also called: Limb-girdle muscular dystrophy, type 2J; MUSCULAR DYSTROPHY, LIMB-GIRDLE, AUTOSOMAL RECESSIVE 10. Identifiers: Orphanet 140922, MedGen C1837342, MONDO:0012127, OMIM 608807.
Dilated cardiomyopathy 1G (CMD1G). Identifiers: Orphanet 154, MedGen C1858763, MONDO:0011400, OMIM 604145.
Long QT syndrome (LQTS). Identifiers: MedGen C0023976, MeSH D008133, MONDO:0002442. Disease mechanism: loss of function. Inheritance: Various modes of inheritance.

Allele frequency attached by ClinVar (database versions not stated): gnomAD exomes 0.00040; ExAC 0.00046; gnomAD 0.00046; ESP Exome Variant Server 0.00049; TOPMed 0.00065.
gnomAD v4.1: 596 of 1,613,708 alleles (0.037%); highest among the groups gnomAD compares: Middle Eastern, 0.36%; 2 homozygotes.

Submissions (10):

CeGaT Center for Human Genetics Tuebingen
Classification: Likely benign. Last evaluated: 2026-05-01. Review status: criteria provided, single submitter. Criteria: CeGaT Center For Human Genetics Tuebingen Variant Classification Criteria Version 2. Collection method: clinical testing. Allele origin: germline. Affected: yes. Observed: 4 variant alleles.
Comment: TTN: BS1

PreventionGenetics, part of Exact Sciences
Classification: Likely benign for TTN-related condition. Last evaluated: 2025-10-21. Review status: criteria provided, single submitter. Criteria: ACMG Guidelines, 2015. Collection method: clinical testing. Allele origin: germline.
Comment: This variant is classified as likely benign based on ACMG/AMP sequence variant interpretation guidelines (Richards et al. 2015 PMID: 25741868, with internal and published modifications).

Women's Health and Genetics/Laboratory Corporation of America, LabCorp
Classification: Likely benign. Last evaluated: 2025-09-08. Review status: criteria provided, single submitter. Criteria: LabCorp Variant Classification Summary - May 2015. Collection method: clinical testing. Allele origin: germline.
Comment: Variant summary: TTN NM_133378 c.14818G>A (p.Ala4940Thr), also known as NM_001267550 c.18550G>A p.Ala6184Thr, results in a non-conservative amino acid change located in the I-band region of the encoded protein sequence. Algorithms developed to predict the effect of missense changes on protein structure and function all suggest that this variant is likely to be disruptive. The variant allele was found at a frequency of 0.0004 in 248312 control chromosomes, predominantly at a frequency of 0.00064 within the Latino subpopulation in the gnomAD database. The observed variant frequency within Latino control individuals in the gnomAD database exceeds the estimated maximal expected allele frequency for disease-causing variants in TTN. c.14818G>A has been reported in the literature in cases of sudden unexplained death and catecholaminergic polymorphic ventricular tachycardia (e.g., Campuzano_2015, Sanchez_2016), however without strong evidence for causality. To our knowledge, no experimental evidence demonstrating an impact on protein function has been reported. These report(s) do not provide unequivocal conclusions about association of the variant with Dilated Cardiomyopathy. To our knowledge, no experimental evidence demonstrating an impact on protein function has been reported. The following publications have been ascertained in the context of this evaluation (PMID: 26516846, 27930701, 31785789). ClinVar contains an entry for this variant (Variation ID: 203272). Based on the evidence outlined above, the variant was classified as likely benign.

Revvity Omics, Revvity
Classification: Uncertain significance. Last evaluated: 2025-02-17. Review status: criteria provided, single submitter. Criteria: ACMG Guidelines, 2015. Collection method: clinical testing. Allele origin: germline.

Mayo Clinic Laboratories, Mayo Clinic
Classification: Uncertain significance. Last evaluated: 2024-02-16. Review status: criteria provided, single submitter. Criteria: ACMG Guidelines, 2015. Collection method: clinical testing. Allele origin: germline. Observed: 1 variant allele.

Eurofins Ntd Llc (ga)
Classification: Uncertain significance. Last evaluated: 2018-07-31. Review status: criteria provided, single submitter. Criteria: EGL ClinVar v180209 classification definitions. Collection method: clinical testing. Allele origin: germline. Observed: 3 variant alleles, 3 heterozygotes.

GeneDx
Classification: Likely benign. Last evaluated: 2018-06-29. Review status: criteria provided, single submitter. Criteria: GeneDx Variant Classification Process June 2021. Collection method: clinical testing. Allele origin: germline. Affected: yes.
Comment: This variant is associated with the following publications: (PMID: 28135719)

Center for Advanced Laboratory Medicine, UC San Diego Health, University of California San Diego
Classification: Likely benign for Long QT Syndrome. Last evaluated: 2018-02-11. Review status: criteria provided, single submitter. Criteria: ACMG Guidelines, 2015. Collection method: clinical testing. Allele origin: germline. Affected: yes. Observed: 1 variant allele.

Labcorp Genetics (formerly Invitae), Labcorp
Classification: Uncertain significance for Dilated cardiomyopathy 1G; Autosomal recessive limb-girdle muscular dystrophy type 2J. Last evaluated: 2017-12-19. Review status: criteria provided, single submitter. Criteria: Invitae Variant Classification Sherloc (09022015). Collection method: clinical testing. Allele origin: germline.

Ambry Genetics
Classification: Uncertain significance for Cardiovascular phenotype. Last evaluated: 2013-10-18. Review status: criteria provided, single submitter. Criteria: Ambry Autosomal Dominant and X-Linked criteria (10/2015). Collection method: clinical testing. Allele origin: germline. Observed: 1 variant allele.
Comment: The p.A4940T variant (also known as c.14818G>A) is located in coding exon 59 of the TTNgene. This alteration results from a G to A substitution at nucleotide position 14818. The alanine at codon 4940 is replaced by threonine, an amino acid with some similar properties.This variant was previously reported in dbSNP asrs72648947. Based on data from the NHLBI Exome Sequencing Project (ESP), the A-allele has an overall frequency of approximately 0.05% (6/12178), having been observed in0.07% (6/8308)of European American alleles, and not observed in 3870 African American alleles studied.This variant was not reported in the1000 Genomes Project.Based on protein sequence alignment, this amino acidposition is highly conserved in available vertebrate species. In addition, this alteration is predicted to be probably damaging by PolyPhen analysis.Since supporting evidence is limited at this time, the clinical significance of this variant remains unclear.

Literature cited by the submitters: PubMed 27930701 (cited by Women's Health and Genetics/Laboratory Corporation of America, LabCorp and Mayo Clinic Laboratories, Mayo Clinic); PubMed 26516846 (cited by Women's Health and Genetics/Laboratory Corporation of America, LabCorp and Mayo Clinic Laboratories, Mayo Clinic); PubMed 31785789 (cited by Women's Health and Genetics/Laboratory Corporation of America, LabCorp and Mayo Clinic Laboratories, Mayo Clinic); PubMed 28135719 (cited by Mayo Clinic Laboratories, Mayo Clinic).